The following is an entry in ClinVar:

NM_002907.4(RECQL):c.202T>C (p.Trp68Arg)

Gene: RECQL (RecQ like helicase; minus strand). Cytogenetic location: 12p12.1.
Variant type: single nucleotide variant.
Coding change: c.202T>C on transcript NM_002907.4 (MANE Select); coding-DNA position 202, T replaced by C.
Protein change: p.Trp68Arg; replaces tryptophan 68 with arginine.
Molecular consequence: missense variant.
Genome position (GRCh38, 1-based): chr12:21,491,531, A>G on the plus strand (T>C on the coding strand, the complement: RECQL is on the minus strand). VCF-style: chr12-21491531-A-G. GRCh37 (hg19) VCF-style: chr12-21644465-A-G.
Other names: c.202T>C, p.Trp68Arg (NM_032941.3); c.202T>C (NM_002907.3); short protein forms W68R.
Identifiers: ClinVar variation 1348502 (VCV001348502.9), dbSNP rs2136754568, ClinGen allele CA384134106.

ClinVar aggregate classification (germline): Uncertain significance. Review status: criteria provided, multiple submitters, no conflicts (2 of 4 stars). 2 submissions from 2 submitters: Uncertain significance (2). Last evaluated 2024-10-14.

Allele frequency attached by ClinVar (database versions not stated): gnomAD exomes below 0.00001.
gnomAD v4.1: 1 of 1,593,440 alleles (0.000063%); highest among the groups gnomAD compares: Non-Finnish European, 0.000085%; no homozygotes.

Submissions (2):

Ambry Genetics
Classification: Uncertain significance. Last evaluated: 2024-10-14. Review status: criteria provided, single submitter. Criteria: Ambry Variant Classification Scheme 2023. Collection method: clinical testing. Allele origin: germline.
Comment: The p.W68R variant (also known as c.202T>C), located in coding exon 2 of the RECQL gene, results from a T to C substitution at nucleotide position 202. The tryptophan at codon 68 is replaced by arginine, an amino acid with dissimilar properties. This amino acid position is conserved. In addition, the in silico prediction for this alteration is inconclusive. Based on the available evidence, the clinical significance of this variant remains unclear.

Labcorp Genetics (formerly Invitae), Labcorp
Classification: Uncertain significance. Last evaluated: 2021-07-26. Review status: criteria provided, single submitter. Criteria: Invitae Variant Classification Sherloc (09022015). Collection method: clinical testing. Allele origin: germline.
Comment: In summary, the available evidence is currently insufficient to determine the role of this variant in disease. Therefore, it has been classified as a Variant of Uncertain Significance. Algorithms developed to predict the effect of missense changes on protein structure and function are either unavailable or do not agree on the potential impact of this missense change (SIFT: "Deleterious"; PolyPhen-2: "Probably Damaging"; Align-GVGD: "Class C0"). This variant has not been reported in the literature in individuals affected with RECQL-related conditions. This variant is not present in population databases (ExAC no frequency). This sequence change replaces tryptophan with arginine at codon 68 of the RECQL protein (p.Trp68Arg). The tryptophan residue is highly conserved and there is a moderate physicochemical difference between tryptophan and arginine.